The following is an entry in ClinVar:

NM_001165963.4(SCN1A):c.2580_2584del (p.Phe861fs)

Gene: SCN1A (sodium voltage-gated channel alpha subunit 1; minus strand). Cytogenetic location: 2q24.3.
Variant type: Deletion.
Coding change: c.2580_2584del on transcript NM_001165963.4 (MANE Select); coding-DNA positions 2580 to 2584, 5 bases deleted (ATTTC; older notation c.2580_2584delATTTC).
Protein change: p.Phe861fs; shifts the reading frame from phenylalanine 861.
Molecular consequence: frameshift variant. On other transcripts: non-coding transcript variant (1).
Genome position (GRCh38, 1-based): chr2:166,039,428-166,039,432, GAAAT deleted on the plus strand (ATTTC on the coding strand, the reverse complement: SCN1A is on the minus strand); deleting any 5 consecutive bases within chr2:166,039,428-166,039,435 gives the same sequence; the c. name uses the placement nearest the transcript's 3' end. VCF-style (leftmost placement, unchanged base first): chr2-166039427-CGAAAT-C. GRCh37 (hg19) VCF-style: chr2-166895937-CGAAAT-C.
Other names: c.2496_2500del, p.Phe833fs (NM_001165964.3, NM_001353957.2, NM_001353958.2); c.2580_2584del, p.Phe861fs (NM_001202435.3, NM_001353948.2); c.2547_2551del, p.Phe850fs (NM_001353949.2, NM_001353950.2, NM_001353951.2 and 2 more transcripts); c.2544_2548del, p.Phe849fs (NM_001353954.2, NM_001353955.2); c.2493_2497del, p.Phe832fs (NM_001353960.2); c.138_142del, p.Phe47fs (NM_001353961.2); short protein forms F47fs, F832fs, F833fs, F850fs, F861fs, F849fs.
Identifiers: ClinVar variation 1793369 (VCV001793369.2), dbSNP rs2468112899, ClinGen allele CA2580064543.

ClinVar aggregate classification (germline): Pathogenic (1 of 4 stars; one submission).

Conditions:
Inborn genetic diseases. Identifiers: MedGen C0950123, MeSH D030342.

Submission:

Ambry Genetics
Classification: Pathogenic for Inborn genetic diseases. Last evaluated: 2017-08-09. Review status: criteria provided, single submitter. Criteria: Ambry Variant Classification Scheme 2023. Collection method: clinical testing. Allele origin: germline.
Comment: The c.2580_2584delATTTC variant, located in coding exon 14 of the SCN1A gene, results from a deletion of 5 nucleotides at nucleotide positions 2580 to 2584, causing a translational frameshift with a predicted alternate stop codon (p.F861Ifs*52). This alteration is expected to result in loss of function by premature protein truncation or nonsense-mediated mRNA decay. As such, this alteration is interpreted as a disease-causing mutation.